The following is an entry in ClinVar:

NM_001042646.3(TRAK1):c.1661C>T (p.Ser554Phe)

Gene: TRAK1 (trafficking kinesin protein 1; plus strand). Cytogenetic location: 3p22.1.
Variant type: single nucleotide variant.
Coding change: c.1661C>T on transcript NM_001042646.3 (MANE Select); coding-DNA position 1661, C replaced by T.
Protein change: p.Ser554Phe; replaces serine 554 with phenylalanine.
Molecular consequence: missense variant. On other transcripts: non-coding transcript variant (1).
Genome position (GRCh38, 1-based): chr3:42,202,669, C>T. VCF-style: chr3-42202669-C-T. GRCh37 (hg19) VCF-style: chr3-42244161-C-T.
Other names: c.1661C>T, p.Ser554Phe (NM_001265608.2, NM_001349246.2, NM_001349247.2); c.1439C>T, p.Ser480Phe (NM_001265609.2, NM_001265610.1, NM_001349248.1 and 1 more transcripts); c.1349C>T, p.Ser450Phe (NM_001349245.1); c.1487C>T, p.Ser496Phe (NM_001410741.1, NM_014965.5); short protein forms S450F, S480F, S496F, S554F.
Identifiers: ClinVar variation 2578940 (VCV002578940.25), dbSNP rs778220748, ClinGen allele CA2333546.

ClinVar aggregate classification (germline): Uncertain significance (1 of 4 stars; one submission).

Allele frequency attached by ClinVar (database versions not stated): gnomAD exomes below 0.00001; ExAC 0.00001.
gnomAD v4.1: 1 of 1,613,662 alleles (0.000062%); highest among the groups gnomAD compares: Non-Finnish European, 0.000085%; no homozygotes.

Submission:

CeGaT Center for Human Genetics Tuebingen
Classification: Uncertain significance. Last evaluated: 2023-07-01. Review status: criteria provided, single submitter. Criteria: CeGaT Center For Human Genetics Tuebingen Variant Classification Criteria Version 2. Collection method: clinical testing. Allele origin: germline. Affected: yes. Observed: 1 variant allele.
Comment: TRAK1: PM2